The following is an entry in ClinVar:

NM_001348768.2(HECW2):c.871C>G (p.Arg291Gly)

Gene: HECW2 (HECT, C2 and WW domain containing E3 ubiquitin protein ligase 2; minus strand). Cytogenetic location: 2q32.3.
Variant type: single nucleotide variant.
Coding change: c.871C>G on transcript NM_001348768.2 (MANE Select); coding-DNA position 871, C replaced by G.
Protein change: p.Arg291Gly; replaces arginine 291 with glycine.
Molecular consequence: missense variant. On other transcripts: 5 prime UTR variant (1).
Genome position (GRCh38, 1-based): chr2:196,322,491, G>C on the plus strand (C>G on the coding strand, the complement: HECW2 is on the minus strand). VCF-style: chr2-196322491-G-C. GRCh37 (hg19) VCF-style: chr2-197187215-G-C.
Other names: c.-97C>G (NM_001304840.3); c.871C>G, p.Arg291Gly (NM_020760.4); short protein forms R291G.
Identifiers: ClinVar variation 3251014 (VCV003251014.18), dbSNP rs751694813.
Genomic context (GRCh38, chr2:196,322,491, plus strand): 5'-TATATGAACTAATCTCAACAAGATCCCCAAAGGTAAGGGCTGATTACCCGATGGCTTGTC[G>C]CTCCAGCAGCCTCTGGACTGGAATGGTTAGTTTCCCCAGAAAACGCTTGATGATGGGACG-3'
Protein context (NP_001335697.1, residues 281-301): LTIPVQRLLE[Arg291Gly]QAIGDQMLSY

ClinVar aggregate classification (germline): Uncertain significance (1 of 4 stars; one submission).

Submission:

CeGaT Center for Human Genetics Tuebingen
Classification: Uncertain significance. Last evaluated: 2024-06-01. Review status: criteria provided, single submitter. Criteria: CeGaT Center For Human Genetics Tuebingen Variant Classification Criteria Version 2. Collection method: clinical testing. Allele origin: germline. Affected: yes. Observed: 1 variant allele.
Comment: HECW2: PM2